The following is an entry in ClinVar:

ClinVar aggregate classification (germline): Conflicting classifications of pathogenicity. Review status: criteria provided, conflicting classifications (1 of 4 stars). 5 submissions from 5 submitters: Uncertain significance (4); Likely benign (1). Last evaluated 2026-05-04.

Conditions:
Distal myopathy with posterior leg and anterior hand involvement. Also called: WILLIAMS DISTAL MYOPATHY. Identifiers: Orphanet 63273, MedGen C3279722, MONDO:0013550, OMIM 614065.
Hypertrophic cardiomyopathy 26. Also called: Cardiomyopathy, familial hypertrophic, 26. Identifiers: Orphanet 75249, MedGen C4310749, MONDO:0014883, OMIM 617047.
Myofibrillar myopathy 5. Also called: Filaminopathy (type); FILAMINOPATHY, AUTOSOMAL DOMINANT. Identifiers: Orphanet 171445, MedGen C1836050, MONDO:0012289, OMIM 609524.
Cardiovascular phenotype. Identifiers: MedGen CN230736.

Allele frequency attached by ClinVar (database versions not stated): gnomAD 0.00003 and 0.00004; ExAC 0.00002; gnomAD exomes 0.00004 and 0.00001; 1000 Genomes Project 30x 0.00031; TOPMed 0.00003; 1000 Genomes Project 0.00040.
gnomAD v4.1: 19 of 1,613,904 alleles (0.0012%); highest among the groups gnomAD compares: East Asian, 0.02%; no homozygotes.

Submissions (5):

Women's Health and Genetics/Laboratory Corporation of America, LabCorp
Classification: Uncertain significance. Last evaluated: 2026-05-04. Review status: criteria provided, single submitter. Criteria: LabCorp Variant Classification Summary - May 2015. Collection method: clinical testing. Allele origin: germline.
Comment: Variant summary: FLNC c.3622G>A (p.Ala1208Thr) results in a non-conservative amino acid change in the encoded protein sequence. Algorithms developed to predict the effect of missense changes on protein structure and function are either unavailable or do not agree on the potential impact of this missense change. The variant allele was found at a frequency of 3.6e-05 in 249532 control chromosomes. The available data on variant occurrences in the general population are insufficient to allow any conclusion about variant significance. To our knowledge, no occurrence of c.3622G>A in individuals affected with FLNC-related conditions and no experimental evidence demonstrating its impact on protein function have been reported. ClinVar contains an entry for this variant (Variation ID: 472043). Based on the evidence outlined above, the variant was classified as uncertain significance.

Labcorp Genetics (formerly Invitae), Labcorp
Classification: Likely benign for Distal myopathy with posterior leg and anterior hand involvement; Myofibrillar myopathy 5; Hypertrophic cardiomyopathy 26. Last evaluated: 2025-12-02. Review status: criteria provided, single submitter. Criteria: Invitae Variant Classification Sherloc (09022015). Collection method: clinical testing. Allele origin: germline.

Revvity Omics, Revvity
Classification: Uncertain significance. Last evaluated: 2024-02-20. Review status: criteria provided, single submitter. Criteria: ACMG Guidelines, 2015. Collection method: clinical testing. Allele origin: germline.

Ambry Genetics
Classification: Uncertain significance for Cardiovascular phenotype. Last evaluated: 2022-08-30. Review status: criteria provided, single submitter. Criteria: Ambry Variant Classification Scheme 2023. Collection method: clinical testing. Allele origin: germline.
Comment: The p.A1208T variant (also known as c.3622G>A), located in coding exon 21 of the FLNC gene, results from a G to A substitution at nucleotide position 3622. The alanine at codon 1208 is replaced by threonine, an amino acid with similar properties. This amino acid position is not well conserved in available vertebrate species. In addition, this alteration is predicted to be tolerated by in silico analysis. Since supporting evidence is limited at this time, the clinical significance of this alteration remains unclear.

Clinical Genomics Laboratory, Stanford Medicine
Classification: Uncertain significance for Myofibrillar myopathy 5; Distal myopathy with posterior leg and anterior hand involvement; Hypertrophic cardiomyopathy 26. Last evaluated: 2022-03-17. Review status: criteria provided, single submitter. Criteria: ACMG Guidelines, 2015. Collection method: clinical testing. Allele origin: germline. Observed: 1 variant allele, 1 heterozygote.
Comment: The p.Ala1208Thr variant in the FLNC gene has not been previously reported in association with disease. This variant has been identified in 9/19,530 East Asian chromosomes by the Genome Aggregation Database. Computational tools predict that this variant does not impact protein function; however, the accuracy of in silico algorithms is limited. These data were assessed using the ACMG/AMP variant interpretation guidelines. In summary, the significance of the p.Ala1208Thr variant is uncertain. Additional information is needed to resolve the significance of this variant. [ACMG evidence codes used: none]

NM_001458.5(FLNC):c.3622G>A (p.Ala1208Thr)

Gene: FLNC (filamin C; plus strand). Cytogenetic location: 7q32.1.
Variant type: single nucleotide variant.
Coding change: c.3622G>A on transcript NM_001458.5 (MANE Select); coding-DNA position 3622, G replaced by A.
Protein change: p.Ala1208Thr; replaces alanine 1208 with threonine.
Molecular consequence: missense variant.
Genome position (GRCh38, 1-based): chr7:128,845,087, G>A. VCF-style: chr7-128845087-G-A. GRCh37 (hg19) VCF-style: chr7-128485141-G-A.
Other names: c.3622G>A, p.Ala1208Thr (NM_001127487.2); short protein forms A1208T.
Identifiers: ClinVar variation 472043 (VCV000472043.13), dbSNP rs528279616, ClinGen allele CA4475087.
Genomic context (GRCh38, chr7:128,845,087, plus strand): 5'-CTGACCATTGAGATCCTGTCGGATGCCGGGGTCAAGGCCGAGGTGCTGATCCACAACAAC[G>A]CGGATGGCACCTACCACATCACCTACAGCCCTGCCTTCCCTGGCACCTACACCATTACCA-3'
Protein context (NP_001449.3, residues 1198-1218): VKAEVLIHNN[Ala1208Thr]DGTYHITYSP